The following is an entry in ClinVar:

ClinVar aggregate classification (germline): Benign/Likely benign. Review status: criteria provided, multiple submitters, no conflicts (2 of 4 stars). 4 submissions from 4 submitters: Benign (3); Likely benign (1). Last evaluated 2026-01-28.

Conditions:
GRIN2B-related disorder. Also called: GRIN2B-related condition.
Developmental and epileptic encephalopathy, 27 (DEE27). Also called: GRIN2B-Related Neurodevelopmental Disorder; Epileptic encephalopathy, early infantile, 27. Identifiers: Orphanet 3451, MedGen C4015316, MONDO:0014505, OMIM 616139.
Intellectual developmental disorder, autosomal dominant 6, with or without seizures. Also called: GRIN2B-related developmental delay, intellectual disability and autism spectrum disorder; Intellectual disability, autosomal dominant 6. Identifiers: Orphanet 589547, MedGen C3151411, MONDO:0013509, OMIM 613970.

Allele frequency attached by ClinVar (database versions not stated): 1000 Genomes Project 30x 0.00031; ExAC 0.00007; ESP Exome Variant Server 0.00015; gnomAD exomes 0.00002 and 0.00006; gnomAD 0.00028 and 0.00030; TOPMed 0.00036; 1000 Genomes Project 0.00040.
gnomAD v4.1: 74 of 1,612,690 alleles (0.0046%); highest among the groups gnomAD compares: African/African-American, 0.088%; no homozygotes.

Submissions (4):

Labcorp Genetics (formerly Invitae), Labcorp
Classification: Benign for Developmental and epileptic encephalopathy, 27; Intellectual developmental disorder, autosomal dominant 6, with or without seizures. Last evaluated: 2026-01-28. Review status: criteria provided, single submitter. Criteria: Invitae Variant Classification Sherloc (09022015). Collection method: clinical testing. Allele origin: germline.

PreventionGenetics, part of Exact Sciences
Classification: Likely benign for GRIN2B-related condition. Last evaluated: 2024-12-16. Review status: criteria provided, single submitter. Criteria: ACMG Guidelines, 2015. Collection method: clinical testing. Allele origin: germline.
Comment: This variant is classified as likely benign based on ACMG/AMP sequence variant interpretation guidelines (Richards et al. 2015 PMID: 25741868, with internal and published modifications).

GeneDx
Classification: Benign. Last evaluated: 2021-02-26. Review status: criteria provided, single submitter. Criteria: GeneDx Variant Classification Process June 2021. Collection method: clinical testing. Allele origin: germline. Affected: yes.

Athena Diagnostics
Classification: Benign. Last evaluated: 2019-02-20. Review status: criteria provided, single submitter. Criteria: Athena Diagnostics Criteria. Collection method: clinical testing. Allele origin: germline.

NM_000834.5(GRIN2B):c.45G>A (p.Val15=)

Gene: GRIN2B (glutamate ionotropic receptor NMDA type subunit 2B; minus strand). Cytogenetic location: 12p13.1.
Variant type: single nucleotide variant.
Coding change: c.45G>A on transcript NM_000834.5 (MANE Select); coding-DNA position 45, G replaced by A.
Protein change: p.Val15=; no amino-acid change (valine 15 retained).
Molecular consequence: synonymous variant.
Genome position (GRCh38, 1-based): chr12:13,866,164, C>T on the plus strand (G>A on the coding strand, the complement: GRIN2B is on the minus strand). VCF-style: chr12-13866164-C-T. GRCh37 (hg19) VCF-style: chr12-14019098-C-T.
Identifiers: ClinVar variation 478001 (VCV000478001.15), dbSNP rs374735893, ClinGen allele CA6461470.